The following is an entry in ClinVar:

NM_194248.3(OTOF):c.322A>G (p.Ile108Val)

Gene: OTOF (otoferlin; minus strand). Cytogenetic location: 2p23.3.
Variant type: single nucleotide variant.
Coding change: c.322A>G on transcript NM_194248.3 (MANE Select); coding-DNA position 322, A replaced by G.
Protein change: p.Ile108Val; replaces isoleucine 108 with valine.
Molecular consequence: missense variant.
Genome position (GRCh38, 1-based): chr2:26,519,015, T>C on the plus strand (A>G on the coding strand, the complement: OTOF is on the minus strand). VCF-style: chr2-26519015-T-C. GRCh37 (hg19) VCF-style: chr2-26741883-T-C.
Other names: c.322A>G, p.Ile108Val (NM_001287489.2); short protein forms I108V.
Identifiers: ClinVar variation 179879 (VCV000179879.10), dbSNP rs727505189, ClinGen allele CA185331.

ClinVar aggregate classification (germline): Conflicting classifications of pathogenicity. Review status: criteria provided, conflicting classifications (1 of 4 stars). 4 submissions from 4 submitters: Uncertain significance (3); Likely benign (1). Last evaluated 2026-01-19.

Conditions:
Inborn genetic diseases. Identifiers: MedGen C0950123, MeSH D030342.

Allele frequency attached by ClinVar (database versions not stated): gnomAD 0.00002 and 0.00007; TOPMed 0.00004; gnomAD exomes 0.00011; ExAC 0.00016.
gnomAD v4.1: 93 of 1,606,180 alleles (0.0058%); highest among the groups gnomAD compares: South Asian, 0.068%; 1 homozygote.

Submissions (4):

Labcorp Genetics (formerly Invitae), Labcorp
Classification: Likely benign. Last evaluated: 2026-01-19. Review status: criteria provided, single submitter. Criteria: Invitae Variant Classification Sherloc (09022015). Collection method: clinical testing. Allele origin: germline.

Blueprint Genetics
Classification: Uncertain significance. Last evaluated: 2024-11-05. Review status: criteria provided, single submitter. Criteria: ACMG Guidelines, 2015. Collection method: clinical testing. Allele origin: germline.

Ambry Genetics
Classification: Uncertain significance for Inborn genetic diseases. Last evaluated: 2024-03-07. Review status: criteria provided, single submitter. Criteria: Ambry Variant Classification Scheme 2023. Collection method: clinical testing. Allele origin: germline.

Laboratory for Molecular Medicine, Mass General Brigham Personalized Medicine
Classification: Uncertain significance. Last evaluated: 2014-09-04. Review status: criteria provided, single submitter. Criteria: LMM Criteria. Collection method: clinical testing. Allele origin: germline. Observed: 1 variant allele.
Comment: The Ile108Val variant in OTOF has not been previously reported in individuals wi th hearing loss and was absent from large population studies. Computational pred iction tools and conservation analysis do not provide strong support for or agai nst an impact to the protein. In summary, the clinical significance of the Ile10 8Val variant is uncertain.